The following is an entry in ClinVar:

ClinVar aggregate classification (germline): Uncertain significance. Review status: criteria provided, multiple submitters, no conflicts (2 of 4 stars). 6 submissions from 6 submitters: Uncertain significance (6). Last evaluated 2025-10-05.

Conditions:
Hereditary nonpolyposis colorectal neoplasms. Identifiers: MedGen C0009405, MeSH D003123.
Hereditary cancer-predisposing syndrome. Also called: Hereditary Cancer Syndrome; Hereditary neoplastic syndrome; Neoplastic Syndromes, Hereditary; Tumor predisposition. Identifiers: Orphanet 140162, MedGen C0027672, MeSH D009386, MONDO:0015356.
Endometrial carcinoma. Also called: Endometrial carcinoma, somatic. Identifiers: MedGen C0476089, MONDO:0002447, OMIM 608089, HP:0012114.

Allele frequency attached by ClinVar (database versions not stated): gnomAD exomes below 0.00001; TOPMed below 0.00001; gnomAD 0.00001.
gnomAD v4.1: 2 of 1,613,944 alleles (0.00012%); highest among the groups gnomAD compares: Non-Finnish European, 0.00017%; no homozygotes.

Submissions (6):

Labcorp Genetics (formerly Invitae), Labcorp
Classification: Uncertain significance for Hereditary nonpolyposis colorectal neoplasms. Last evaluated: 2025-10-05. Review status: criteria provided, single submitter. Criteria: Invitae Variant Classification Sherloc (09022015). Collection method: clinical testing. Allele origin: germline.
Comment: This sequence change replaces phenylalanine, which is neutral and non-polar, with serine, which is neutral and polar, at codon 1285 of the MSH6 protein (p.Phe1285Ser). This variant is not present in population databases (gnomAD no frequency). This missense change has been observed in individual(s) with clinical features of Lynch syndrome (PMID: 25980754). ClinVar contains an entry for this variant (Variation ID: 455301). Invitae Evidence Modeling of protein sequence and biophysical properties (such as structural, functional, and spatial information, amino acid conservation, physicochemical variation, residue mobility, and thermodynamic stability) indicates that this missense variant is expected to disrupt MSH6 protein function with a positive predictive value of 95%. In summary, the available evidence is currently insufficient to determine the role of this variant in disease. Therefore, it has been classified as a Variant of Uncertain Significance.

Ambry Genetics
Classification: Uncertain significance for Hereditary cancer-predisposing syndrome. Last evaluated: 2024-10-11. Review status: criteria provided, single submitter. Criteria: Ambry Variant Classification Scheme 2023. Collection method: clinical testing. Allele origin: germline.
Comment: The p.F1285S variant (also known as c.3854T>C), located in coding exon 9 of the MSH6 gene, results from a T to C substitution at nucleotide position 3854. The phenylalanine at codon 1285 is replaced by serine, an amino acid with highly dissimilar properties. This amino acid position is highly conserved in available vertebrate species. In addition, this alteration is predicted to be deleterious by in silico analysis. Since supporting evidence is limited at this time, the clinical significance of this alteration remains unclear.

Baylor Genetics
Classification: Uncertain significance for Endometrial carcinoma. Last evaluated: 2023-06-29. Review status: criteria provided, single submitter. Criteria: ACMG Guidelines, 2015. Collection method: clinical testing. Allele origin: unknown.

GeneDx
Classification: Uncertain significance. Last evaluated: 2022-11-03. Review status: criteria provided, single submitter. Criteria: GeneDx Variant Classification Process June 2021. Collection method: clinical testing. Allele origin: germline. Affected: yes.
Comment: Not observed at significant frequency in large population cohorts (gnomAD); In silico analysis supports that this missense variant has a deleterious effect on protein structure/function; Observed in an individual undergoing multi-gene cancer panel testing due to a personal history of a Lynch syndrome-related cancer and/or polyps (Yurgelun et al., 2015); This variant is associated with the following publications: (PMID: 17531815, 21120944, 25980754)

Quest Diagnostics Nichols Institute San Juan Capistrano
Classification: Uncertain significance. Last evaluated: 2022-10-27. Review status: criteria provided, single submitter. Criteria: Quest Diagnostics criteria. Collection method: clinical testing. Allele origin: unknown.
Comment: The frequency of this variant in the general population, 0.0000066 (1/152152 chromosomes), is uninformative in assessment of its pathogenicity. In the published literature, the variant has been reported in an individual with a Lynch Syndrome-associated cancer (PMID: 25980754 (2015)). Analysis of this variant using bioinformatics tools for the prediction of the effect of amino acid changes on protein structure and function yielded predictions that this variant is damaging. Based on the available information, we are unable to determine the clinical significance of this variant.

Color Diagnostics, LLC DBA Color Health
Classification: Uncertain significance for Hereditary cancer-predisposing syndrome. Last evaluated: 2020-07-28. Review status: criteria provided, single submitter. Criteria: ACMG Guidelines, 2015. Collection method: clinical testing. Allele origin: germline.
Comment: This missense variant replaces phenylalanine with serine at codon 1285 of the MSH6 protein. Computational prediction suggests that this variant may have deleterious impact on protein structure and function (internally defined REVEL score threshold >= 0.7, PMID: 27666373). To our knowledge, functional studies have not been reported for this variant. This variant has been reported in an individual affected with Lynch syndrome-associated cancer and/or polyps (PMID: 25980754). This variant has not been identified in the general population by the Genome Aggregation Database (gnomAD). The available evidence is insufficient to determine the role of this variant in disease conclusively. Therefore, this variant is classified as a Variant of Uncertain Significance.

Literature cited by the submitters: PubMed 25980754 (cited by Labcorp Genetics (formerly Invitae), Labcorp and Quest Diagnostics Nichols Institute San Juan Capistrano).

NM_000179.3(MSH6):c.3854T>C (p.Phe1285Ser)

Gene: MSH6 (mutS homolog 6; plus strand). Cytogenetic location: 2p16.3.
Variant type: single nucleotide variant.
Coding change: c.3854T>C on transcript NM_000179.3 (MANE Select); coding-DNA position 3854, T replaced by C.
Protein change: p.Phe1285Ser; replaces phenylalanine 1285 with serine.
Molecular consequence: missense variant.
Genome position (GRCh38, 1-based): chr2:47,806,504, T>C. VCF-style: chr2-47806504-T-C. GRCh37 (hg19) VCF-style: chr2-48033643-T-C.
Other names: c.3464T>C, p.Phe1155Ser (NM_001281492.2); c.2948T>C, p.Phe983Ser (NM_001281493.2, NM_001281494.2); short protein forms F1285S, F983S, F1155S.
Identifiers: ClinVar variation 455301 (VCV000455301.23), dbSNP rs1553333453, ClinGen allele CA346761317.